The following is an entry in ClinVar:

NM_005909.5(MAP1B):c.4310G>A (p.Gly1437Asp)

Gene: MAP1B (microtubule associated protein 1B; plus strand). Cytogenetic location: 5q13.2.
Variant type: single nucleotide variant.
Coding change: c.4310G>A on transcript NM_005909.5 (MANE Select); coding-DNA position 4310, G replaced by A.
Protein change: p.Gly1437Asp; replaces glycine 1437 with aspartic acid.
Molecular consequence: missense variant.
Genome position (GRCh38, 1-based): chr5:72,197,665, G>A. VCF-style: chr5-72197665-G-A. GRCh37 (hg19) VCF-style: chr5-71493492-G-A.
Other names: c.3932G>A, p.Gly1311Asp (NM_001324255.2); short protein forms G1311D, G1437D.
Identifiers: ClinVar variation 3354818 (VCV003354818.1).

ClinVar aggregate classification (germline): Likely benign (0 of 4 stars; one submission).

Conditions:
MAP1B-related disorder. Also called: MAP1B-related condition.

gnomAD v4.1: 143 of 1,614,160 alleles (0.0089%); highest among the groups gnomAD compares: South Asian, 0.15%; 3 homozygotes.

Submission:

PreventionGenetics, part of Exact Sciences
Classification: Likely benign for MAP1B-related condition. Last evaluated: 2024-05-08. Review status: no assertion criteria provided. Collection method: clinical testing. Allele origin: germline.
Comment: This variant is classified as likely benign based on ACMG/AMP sequence variant interpretation guidelines (Richards et al. 2015 PMID: 25741868, with internal and published modifications).